The following is an entry in ClinVar:

NM_000388.4(CASR):c.2140T>C (p.Phe714Leu)

Gene: CASR (calcium sensing receptor; plus strand). Cytogenetic location: 3q21.1.
Variant type: single nucleotide variant.
Coding change: c.2140T>C on transcript NM_000388.4 (MANE Select); coding-DNA position 2140, T replaced by C.
Protein change: p.Phe714Leu; replaces phenylalanine 714 with leucine.
Molecular consequence: missense variant.
Genome position (GRCh38, 1-based): chr3:122,284,094, T>C. VCF-style: chr3-122284094-T-C. GRCh37 (hg19) VCF-style: chr3-122002941-T-C.
Other names: c.2170T>C, p.Phe724Leu (NM_001178065.2); short protein forms F724L, F714L.
Identifiers: ClinVar variation 820797 (VCV000820797.4), dbSNP rs1576877507, ClinGen allele CA354158732.

ClinVar aggregate classification (germline): Uncertain significance (1 of 4 stars; one submission).

Conditions:
Nephrolithiasis/nephrocalcinosis. Identifiers: MedGen CN580796.

Submission:

Ambry Genetics
Classification: Uncertain significance for Nephrolithiasis/nephrocalcinosis. Last evaluated: 2019-10-30. Review status: criteria provided, single submitter. Criteria: Ambry Variant Classification Scheme 2023. Collection method: clinical testing. Allele origin: germline.
Comment: The p.F714L variant (also known as c.2140T>C), located in coding exon 6 of the CASR gene, results from a T to C substitution at nucleotide position 2140. The phenylalanine at codon 714 is replaced by leucine, an amino acid with highly similar properties. This amino acid position is not well conserved in available vertebrate species, and leucine is the reference amino acid in other vertebrate species. In addition, this alteration is predicted to be tolerated by in silico analysis. Since supporting evidence is limited at this time, the clinical significance of this alteration remains unclear.